The following is an entry in ClinVar:

NM_000384.3(APOB):c.3070A>G (p.Arg1024Gly)

Gene: APOB (apolipoprotein B; minus strand). Cytogenetic location: 2p24.1.
Variant type: single nucleotide variant.
Coding change: c.3070A>G on transcript NM_000384.3 (MANE Select); coding-DNA position 3070, A replaced by G.
Protein change: p.Arg1024Gly; replaces arginine 1024 with glycine.
Molecular consequence: missense variant.
Genome position (GRCh38, 1-based): chr2:21,019,043, T>C on the plus strand (A>G on the coding strand, the complement: APOB is on the minus strand). VCF-style: chr2-21019043-T-C. GRCh37 (hg19) VCF-style: chr2-21241915-T-C.
Other names: short protein forms R1024G.
Identifiers: ClinVar variation 2930160 (VCV002930160.4), dbSNP rs1184276566, ClinGen allele CA346009905.
Genomic context (GRCh38, chr2:21,019,043, plus strand): 5'-AATACTCACCTTCTGCTTGAGTTACAAACTTCAGGGTATCCACCAAGGCTCTGTCCTCTC[T>C]CTGGAGCTCATAGGTTGCGCTGACAGAATACTGCTCAATCTCTCCTGTAGGCCTCAGTTC-3'
Protein context (NP_000375.3, residues 1014-1034): YSVSATYELQ[Arg1024Gly]EDRALVDTLK

ClinVar aggregate classification (germline): Uncertain significance. Review status: criteria provided, multiple submitters, no conflicts (2 of 4 stars). 2 submissions from 2 submitters: Uncertain significance (2). Last evaluated 2026-08-24.

Conditions:
Familial hypobetalipoproteinemia 1. Also called: APOB-Related Familial Hypobetalipoproteinemia; Hypobetalipoproteinemia, normotriglyceridemic; Acanthocytosis with hypobetalipoproteinemia. Identifiers: MedGen C4551990, MONDO:0014252, OMIM 615558.
Hypercholesterolemia, autosomal dominant, type B (FHCL2). Also called: Familial hypercholesterolemia 2; Hyperlipoproteinemia Type IIb; Familial Hypercholesterolemia Type B; APOB-Related Familial Hypercholesterolemia, Autosomal Dominant; APOLIPOPROTEIN B-100, FAMILIAL DEFECTIVE; APOLIPOPROTEIN B-100, FAMILIAL LIGAND-DEFECTIVE. Identifiers: MedGen C1704417, MONDO:0007751, OMIM 144010.
Cardiovascular phenotype. Identifiers: MedGen CN230736.

Allele frequency attached by ClinVar (database versions not stated): gnomAD 0.00001; TOPMed 0.00001 and below 0.00001; gnomAD exomes below 0.00001.
gnomAD v4.1: 3 of 1,613,998 alleles (0.00019%); highest among the groups gnomAD compares: Non-Finnish European, 0.00017%; no homozygotes.

Submissions (2):

Ambry Genetics
Classification: Uncertain significance for Cardiovascular phenotype. Last evaluated: 2026-08-24. Review status: criteria provided, single submitter. Criteria: Ambry Variant Classification Scheme 2023. Collection method: clinical testing. Allele origin: germline.
Comment: The p.R1024G variant (also known as c.3070A>G), located in coding exon 20 of the APOB gene, results from an A to G substitution at nucleotide position 3070. The arginine at codon 1024 is replaced by glycine, an amino acid with dissimilar properties. This amino acid position is conserved. In addition, this alteration is predicted to be tolerated by in silico analysis. Based on the available evidence, the clinical significance of this variant remains unclear.

Labcorp Genetics (formerly Invitae), Labcorp
Classification: Uncertain significance for Familial hypobetalipoproteinemia 1; Hypercholesterolemia, autosomal dominant, type B. Last evaluated: 2023-10-06. Review status: criteria provided, single submitter. Criteria: Invitae Variant Classification Sherloc (09022015). Collection method: clinical testing. Allele origin: germline.
Comment: This sequence change replaces arginine, which is basic and polar, with glycine, which is neutral and non-polar, at codon 1024 of the APOB protein (p.Arg1024Gly). This variant is present in population databases (no rsID available, gnomAD 0.0009%). This variant has not been reported in the literature in individuals affected with APOB-related conditions. ClinVar contains an entry for this variant (Variation ID: 924153). Advanced modeling of protein sequence and biophysical properties (such as structural, functional, and spatial information, amino acid conservation, physicochemical variation, residue mobility, and thermodynamic stability) performed at Invitae indicates that this missense variant is not expected to disrupt APOB protein function. In summary, the available evidence is currently insufficient to determine the role of this variant in disease. Therefore, it has been classified as a Variant of Uncertain Significance.